The following is an entry in ClinVar:

NM_000210.4(ITGA6):c.*142dup

Genes: ITGA6 (integrin subunit alpha 6; plus strand), PDK1-AS1 (PDK1 and ITGA6 antisense RNA 1; minus strand). Cytogenetic location: 2q31.1.
Variant type: Duplication.
Coding change: c.*142dup on transcript NM_000210.4 (MANE Select); 142 bases downstream of the stop codon, one base duplicated (A; older notation c.*142dupA).
Molecular consequence: 3 prime UTR variant. On other transcripts: frameshift variant (2).
Genome position (GRCh38, 1-based): chr2:172,504,210, A duplicated; the last of 8 consecutive A bases (chr2:172,504,203-172,504,210); duplicating any one gives the same sequence. VCF-style (leftmost placement, unchanged base first): chr2-172504202-G-GA. GRCh37 (hg19) VCF-style: chr2-173368930-G-GA.
Other names: c.3234dup, p.Gln1079fs (NM_001079818.3); c.*142dup (NM_001316306.2, NM_001365530.2); c.3189dup, p.Gln1064fs (NM_001365529.2); c.3234dupA (NM_001079818.2); short protein forms Q1064fs, Q1079fs.
Identifiers: ClinVar variation 225394 (VCV000225394.5), dbSNP rs201055917, ClinGen allele CA1968662.

ClinVar aggregate classification (germline): Conflicting classifications of pathogenicity. Review status: criteria provided, conflicting classifications (1 of 4 stars). 4 submissions from 4 submitters: Uncertain significance (2); Likely benign (2). Last evaluated 2025-09-25.

Conditions:
Epidermolysis bullosa, junctional 6, with pyloric atresia. Also called: ITGA6-Related Epidermolysis Bullosa with Pyloric Atresia. Identifiers: MedGen C5676957, MONDO:0859233, OMIM 619817.
ITGA6-related disorder. Also called: ITGA6-related condition.
Junctional epidermolysis bullosa with pyloric atresia. Also called: Epidermolysis bullosa junctionalis with pyloric atresia; EPIDERMOLYSIS BULLOSA, JUNCTIONAL 5B, WITH PYLORIC ATRESIA; APLASIA CUTIS CONGENITA WITH GASTROINTESTINAL ATRESIA; CARMI SYNDROME; Junctional Epidermolysis Bullosa- Pyloric Atresia Syndrome; EB-PA-ACC. Identifiers: Orphanet 79403, MedGen C5676875, MONDO:0009183, OMIM 226730.

Submissions (4):

PreventionGenetics, part of Exact Sciences
Classification: Likely benign for ITGA6-related condition. Last evaluated: 2025-09-25. Review status: criteria provided, single submitter. Criteria: ACMG Guidelines, 2015. Collection method: clinical testing. Allele origin: germline.
Comment: This variant is classified as likely benign based on ACMG/AMP sequence variant interpretation guidelines (Richards et al. 2015 PMID: 25741868, with internal and published modifications).

Fulgent Genetics
Classification: Likely benign for Epidermolysis bullosa, junctional 6, with pyloric atresia. Last evaluated: 2024-02-07. Review status: criteria provided, single submitter. Criteria: ACMG Guidelines, 2015. Collection method: clinical testing. Allele origin: germline.

Department of Pathology and Laboratory Medicine, Sinai Health System
Classification: Uncertain significance for Epidermolysis bullosa, junctional 6, with pyloric atresia. Last evaluated: 2022-11-09. Review status: criteria provided, single submitter. Criteria: ACMG Guidelines, 2015. Collection method: research. Allele origin: germline.

Soonchunhyang University Bucheon Hospital, Soonchunhyang University Medical Center
Classification: Uncertain significance for Junctional epidermolysis bullosa with pyloric atresia. Last evaluated: 2016-03-18. Review status: criteria provided, single submitter. Criteria: ACMG Guidelines, 2015. Collection method: reference population. Allele origin: germline. Observed: 1 variant allele.

Literature cited by the submitters: PubMed 9185503 (cited by Soonchunhyang University Bucheon Hospital, Soonchunhyang University Medical Center).